The following is an entry in ClinVar:

NM_020778.4(ALPK3):c.247G>A (p.Gly83Arg)

Gene: ALPK3 (alpha kinase 3; plus strand). Cytogenetic location: 15q25.3.
Variant type: single nucleotide variant.
Coding change: c.247G>A on transcript NM_020778.4; coding-DNA position 247, G replaced by A.
Protein change: p.Gly83Arg; replaces glycine 83 with arginine.
Genome position (GRCh38, 1-based): chr15:84,817,093, G>A. VCF-style: chr15-84817093-G-A. GRCh37 (hg19) VCF-style: chr15-85360324-G-A.
Other names: short protein forms G83R.
Identifiers: ClinVar variation 3859220 (VCV003859220.1).

ClinVar aggregate classification (germline): Uncertain significance (1 of 4 stars; one submission).

Conditions:
Cardiovascular phenotype. Identifiers: MedGen CN230736.

Submission:

Ambry Genetics
Classification: Uncertain significance for Cardiovascular phenotype. Last evaluated: 2024-12-21. Review status: criteria provided, single submitter. Criteria: Ambry Variant Classification Scheme 2023. Collection method: clinical testing. Allele origin: germline.
Comment: The p.G83R variant (also known as c.247G>A), located in coding exon 1 of the ALPK3 gene, results from a G to A substitution at nucleotide position 247. The glycine at codon 83 is replaced by arginine, an amino acid with dissimilar properties. This amino acid position is conserved. In addition, this alteration is predicted to be tolerated by in silico analysis. Based on the available evidence, the clinical significance of this variant remains unclear.